The following is an entry in ClinVar:

NM_017849.4(TMEM127):c.158G>C (p.Trp53Ser)

Gene: TMEM127 (transmembrane protein 127; minus strand). Cytogenetic location: 2q11.2.
Variant type: single nucleotide variant.
Coding change: c.158G>C on transcript NM_017849.4 (MANE Select); coding-DNA position 158, G replaced by C.
Protein change: p.Trp53Ser; replaces tryptophan 53 with serine.
Molecular consequence: missense variant.
Genome position (GRCh38, 1-based): chr2:96,265,224, C>G on the plus strand (G>C on the coding strand, the complement: TMEM127 is on the minus strand). VCF-style: chr2-96265224-C-G. GRCh37 (hg19) VCF-style: chr2-96930962-C-G.
Other names: c.158G>C, p.Trp53Ser (NM_001193304.3); short protein forms W53S.
Identifiers: ClinVar variation 126963 (VCV000126963.16), dbSNP rs121908818, ClinGen allele CA269737.

ClinVar aggregate classification (germline): Conflicting classifications of pathogenicity. Review status: criteria provided, conflicting classifications (1 of 4 stars). 4 submissions from 4 submitters: Likely pathogenic (1); Uncertain significance (2). 1 of the submissions does not count toward it. Last evaluated 2025-11-10.

Conditions:
Hereditary cancer-predisposing syndrome. Also called: Hereditary neoplastic syndrome; Hereditary Cancer Syndrome; Neoplastic Syndromes, Hereditary; Tumor predisposition. Identifiers: Orphanet 140162, MedGen C0027672, MeSH D009386, MONDO:0015356.
Hereditary pheochromocytoma and paraganglioma. Also called: Hereditary Paraganglioma-Pheochromocytoma Syndromes; Hereditary paragangliomas and pheochromocytomas; Hereditary pheochromocytoma-paraganglioma. Identifiers: Orphanet 29072, MedGen C4274332, MONDO:0017366.
Pheochromocytoma. Also called: MAX-Related Hereditary Paraganglioma-Pheochromocytoma Syndrome. Identifiers: Orphanet 29072, MedGen C0031511, MONDO:0008233, OMIM 171300, HP:0002666.

Allele frequency attached by ClinVar (database versions not stated): gnomAD exomes below 0.00001; gnomAD 0.00001; TOPMed 0.00001.

Submissions (4):

Ambry Genetics
Classification: Likely pathogenic for Hereditary cancer-predisposing syndrome. Last evaluated: 2025-11-10. Review status: criteria provided, single submitter. Criteria: Ambry Variant Classification Scheme 2023. Collection method: clinical testing. Allele origin: germline.
Comment: The p.W53S variant (also known as c.158G>C), located in coding exon 1 of the TMEM127 gene, results from a G to C substitution at nucleotide position 158. The tryptophan at codon 53 is replaced by serine, an amino acid with highly dissimilar properties. This variant was reported in individual(s) with features consistent with TMEM127-related hereditary pheochromocytoma-paraganglioma (Ambry internal data; Yao L et al. JAMA, 2010 Dec;304:2611-9). This amino acid position is highly conserved in available vertebrate species. In addition, this alteration is predicted to be deleterious by in silico analysis. This variant is considered to be rare based on population cohorts in the Genome Aggregation Database (gnomAD). Based on the majority of available evidence to date, this variant is likely to be pathogenic.

Labcorp Genetics (formerly Invitae), Labcorp
Classification: Uncertain significance for Hereditary pheochromocytoma and paraganglioma. Last evaluated: 2025-11-04. Review status: criteria provided, single submitter. Criteria: Invitae Variant Classification Sherloc (09022015). Collection method: clinical testing. Allele origin: germline.
Comment: This sequence change replaces tryptophan, which is neutral and slightly polar, with serine, which is neutral and polar, at codon 53 of the TMEM127 protein (p.Trp53Ser). This variant is not present in population databases (gnomAD no frequency). This missense change has been observed in individual(s) with pheochromocytomas and/or paragangliomas (PMID: 21156949, 22136840). ClinVar contains an entry for this variant (Variation ID: 126963). An algorithm developed to predict the effect of missense changes on protein structure and function (PolyPhen-2) suggests that this variant is likely to be disruptive. In summary, the available evidence is currently insufficient to determine the role of this variant in disease. Therefore, it has been classified as a Variant of Uncertain Significance.

Baylor Genetics
Classification: Uncertain significance for Pheochromocytoma. Last evaluated: 2024-03-27. Review status: criteria provided, single submitter. Criteria: ACMG Guidelines, 2015. Collection method: clinical testing. Allele origin: unknown.

Familial Cancer Clinic, Veneto Institute of Oncology
Classification: Likely pathogenic for Pheochromocytoma. Review status: no assertion criteria provided. Collection method: not provided. Allele origin: germline. Not counted in ClinVar's aggregate classification.
ClinVar note: Converted during submission from likely pathogenic - adrenal pheochromocytoma to Likely pathogenic.

Literature cited by the submitters: PubMed 21156949 (cited by Ambry Genetics and Labcorp Genetics (formerly Invitae), Labcorp); PubMed 22136840 (cited by Labcorp Genetics (formerly Invitae), Labcorp).